The following is an entry in ClinVar:

ClinVar aggregate classification (germline): Pathogenic (1 of 4 stars; one submission).

Submission:

Labcorp Genetics (formerly Invitae), Labcorp
Classification: Pathogenic. Last evaluated: 2020-08-20. Review status: criteria provided, single submitter. Criteria: Invitae Variant Classification Sherloc (09022015). Collection method: clinical testing. Allele origin: germline.
Comment: For these reasons, this variant has been classified as Pathogenic. Loss-of-function variants in COL7A1 are known to be pathogenic (PMID: 16971478). This variant has not been reported in the literature in individuals with COL7A1-related conditions. This variant is not present in population databases (ExAC no frequency). This sequence change creates a premature translational stop signal (p.Glu2065Lysfs*140) in the COL7A1 gene. It is expected to result in an absent or disrupted protein product.

Literature cited by the submitters: PubMed 16971478.

NM_000094.4(COL7A1):c.6193_6196del (p.Glu2065fs)

Gene: COL7A1 (collagen type VII alpha 1 chain; minus strand). Cytogenetic location: 3p21.31.
Variant type: Microsatellite.
Coding change: c.6193_6196del on transcript NM_000094.4 (MANE Select); coding-DNA positions 6193 to 6196, 4 bases deleted (GAGA; older notation c.6193_6196delGAGA).
Protein change: p.Glu2065fs; shifts the reading frame from glutamic acid 2065.
Molecular consequence: frameshift variant.
Genome position (GRCh38, 1-based): chr3:48,575,227-48,575,230, TCTC deleted on the plus strand (GAGA on the coding strand, the reverse complement: COL7A1 is on the minus strand); deleting any 4 consecutive bases within chr3:48,575,227-48,575,232 gives the same sequence; the c. name uses the placement nearest the transcript's 3' end. VCF-style (leftmost placement, unchanged base first): chr3-48575226-TTCTC-T. GRCh37 (hg19) VCF-style: chr3-48612659-TTCTC-T.
Other names: short protein forms E2065fs.
Identifiers: ClinVar variation 1074888 (VCV001074888.5), dbSNP rs2107672777, ClinGen allele CA2580614232.